The following is an entry in ClinVar:

ClinVar aggregate classification (germline): Benign/Likely benign. Review status: criteria provided, multiple submitters, no conflicts (2 of 4 stars). 6 submissions from 6 submitters: Benign (1); Likely benign (5). Last evaluated 2026-02-02.

Conditions:
Ehlers-Danlos syndrome, classic type, 1 (EDSCL1). Also called: EHLERS-DANLOS SYNDROME, GRAVIS TYPE; EHLERS-DANLOS SYNDROME, SEVERE CLASSIC TYPE; Ehlers-Danlos syndrome, type 1; Ehlers-Danlos Syndrome, Classic Type, COL5A1-Related; EDS I. Identifiers: MedGen C0268335, MONDO:0019567, OMIM 130000.
Connective tissue disorder. Also called: Connective tissue disease. Identifiers: MedGen C0009782, MONDO:0003900.
Familial thoracic aortic aneurysm and aortic dissection (TAAD). Also called: Thoracic aortic aneurysms and dissections. Identifiers: Orphanet 91387, MedGen C4707243, MONDO:0019625.

Allele frequency attached by ClinVar (database versions not stated): gnomAD exomes 0.00004 and 0.00006; ExAC 0.00007; TOPMed 0.00008; gnomAD 0.00009.
gnomAD v4.1: 70 of 1,614,030 alleles (0.0043%); highest among the groups gnomAD compares: African/African-American, 0.016%; no homozygotes.

Submissions (6):

Women's Health and Genetics/Laboratory Corporation of America, LabCorp
Classification: Likely benign. Last evaluated: 2026-02-02. Review status: criteria provided, single submitter. Criteria: LabCorp Variant Classification Summary - May 2015. Collection method: clinical testing. Allele origin: germline.
Comment: Variant summary: COL5A1 c.1283C>T (p.Ser428Leu) results in a non-conservative amino acid change in the encoded protein sequence. Algorithms developed to predict the effect of missense changes on protein structure and function are either unavailable or do not agree on the potential impact of this missense change. The variant allele was found at a frequency of 4.3e-05 in 1614030 control chromosomes, predominantly at a frequency of 0.00016 within the African or African-American subpopulation in the gnomAD database. The observed variant frequency within African or African-American control individuals in the gnomAD database exceeds the estimated maximal expected allele frequency for disease-causing variants in COL5A1. To our knowledge, no occurrence of c.1283C>T in individuals affected with COL5A1-related conditions and no experimental evidence demonstrating its impact on protein function have been reported. ClinVar contains an entry for this variant (Variation ID: 213071). Based on the evidence outlined above, the variant was classified as likely benign.

Labcorp Genetics (formerly Invitae), Labcorp
Classification: Benign for Ehlers-Danlos syndrome, classic type, 1. Last evaluated: 2025-08-26. Review status: criteria provided, single submitter. Criteria: Invitae Variant Classification Sherloc (09022015). Collection method: clinical testing. Allele origin: germline.

Ambry Genetics
Classification: Likely benign for Familial thoracic aortic aneurysm and aortic dissection. Last evaluated: 2025-06-20. Review status: criteria provided, single submitter. Criteria: Ambry Variant Classification Scheme 2023. Collection method: clinical testing. Allele origin: germline.

Blueprint Genetics
Classification: Likely benign. Last evaluated: 2024-11-20. Review status: criteria provided, single submitter. Criteria: ACMG Guidelines, 2015. Collection method: clinical testing. Allele origin: germline.

GeneDx
Classification: Likely benign. Last evaluated: 2019-05-01. Review status: criteria provided, single submitter. Criteria: GeneDx Variant Classification Process June 2021. Collection method: clinical testing. Allele origin: germline. Affected: yes.

Center for Human Genetics, Inc
Classification: Likely benign for Connective tissue disorder. Last evaluated: 2018-06-01. Review status: criteria provided, single submitter. Criteria: ACMG Guidelines, 2015. Collection method: clinical testing. Allele origin: germline. Affected: yes.

Literature cited by the submitters: PubMed 33726816 (cited by Ambry Genetics).

NM_000093.5(COL5A1):c.1283C>T (p.Ser428Leu)

Gene: COL5A1 (collagen type V alpha 1 chain; plus strand). Cytogenetic location: 9q34.3.
Variant type: single nucleotide variant.
Coding change: c.1283C>T on transcript NM_000093.5 (MANE Select); coding-DNA position 1283, C replaced by T.
Protein change: p.Ser428Leu; replaces serine 428 with leucine.
Molecular consequence: missense variant.
Genome position (GRCh38, 1-based): chr9:134,731,614, C>T. VCF-style: chr9-134731614-C-T. GRCh37 (hg19) VCF-style: chr9-137623460-C-T.
Other names: p.S428L:TCG>TTG; c.1283C>T, p.Ser428Leu (NM_001278074.1); short protein forms S428L.
Identifiers: ClinVar variation 213071 (VCV000213071.17), dbSNP rs770793962, ClinGen allele CA322506.